The following is an entry in ClinVar:

NM_001042492.3(NF1):c.1399A>C (p.Thr467Pro)

Gene: NF1 (neurofibromin 1; plus strand). Cytogenetic location: 17q11.2.
Variant type: single nucleotide variant.
Coding change: c.1399A>C on transcript NM_001042492.3 (MANE Select); coding-DNA position 1399, A replaced by C.
Protein change: p.Thr467Pro; replaces threonine 467 with proline.
Molecular consequence: missense variant.
Genome position (GRCh38, 1-based): chr17:31,214,457, A>C. VCF-style: chr17-31214457-A-C. GRCh37 (hg19) VCF-style: chr17-29541475-A-C.
Other names: c.1399A>C, p.Thr467Pro (NM_000267.4, NM_001128147.3); short protein forms T467P.
Identifiers: ClinVar variation 1713899 (VCV001713899.6), dbSNP rs2143958644, ClinGen allele CA399001419.

ClinVar aggregate classification (germline): Uncertain significance. Review status: criteria provided, multiple submitters, no conflicts (2 of 4 stars). 2 submissions from 2 submitters: Uncertain significance (2). Last evaluated 2024-05-14.

Conditions:
Neurofibromatosis, type 1 (NF1). Also called: Peripheral type neurofibromatosis; VON RECKLINGHAUSEN DISEASE; NEUROFIBROMATOSIS, TYPE I, SOMATIC; Neurofibromatosis, type I. Identifiers: Orphanet 636, MedGen C0027831, MONDO:0018975, OMIM 162200. Disease mechanism: loss of function.

Submissions (2):

GeneDx
Classification: Uncertain significance. Last evaluated: 2024-05-14. Review status: criteria provided, single submitter. Criteria: GeneDx Variant Classification Process June 2021. Collection method: clinical testing. Allele origin: germline. Affected: yes.
Comment: Not observed at significant frequency in large population cohorts (gnomAD); In silico analysis supports that this missense variant has a deleterious effect on protein structure/function; Has not been previously published as pathogenic or benign to our knowledge

Labcorp Genetics (formerly Invitae), Labcorp
Classification: Uncertain significance for Neurofibromatosis, type 1. Last evaluated: 2023-11-29. Review status: criteria provided, single submitter. Criteria: Invitae Variant Classification Sherloc (09022015). Collection method: clinical testing. Allele origin: germline.
Comment: This sequence change replaces threonine, which is neutral and polar, with proline, which is neutral and non-polar, at codon 467 of the NF1 protein (p.Thr467Pro). This variant is not present in population databases (gnomAD no frequency). This variant has not been reported in the literature in individuals affected with NF1-related conditions. ClinVar contains an entry for this variant (Variation ID: 1713899). Advanced modeling of protein sequence and biophysical properties (such as structural, functional, and spatial information, amino acid conservation, physicochemical variation, residue mobility, and thermodynamic stability) performed at Invitae indicates that this missense variant is expected to disrupt NF1 protein function with a positive predictive value of 95%. In summary, the available evidence is currently insufficient to determine the role of this variant in disease. Therefore, it has been classified as a Variant of Uncertain Significance.